The following continues an entry in ClinVar:

NM_001142416.2(AIMP1):c.-25-6C>A

Gene: AIMP1. ClinVar aggregate classification (germline): Benign/Likely benign. Benign (3); Likely benign (1).

Submissions 31 to 47 of 47:

Dr. Peter K. Rogan Lab, Western University
No classification provided (evidence only). Condition: Nonpapillary renal cell carcinoma. Review status: no classification provided. Collection method: in vitro. Allele origin: not applicable. Functional consequence: retained intron. Not counted in ClinVar's aggregate classification.

Dr. Peter K. Rogan Lab, Western University
No classification provided (evidence only). Condition: Nonpapillary renal cell carcinoma. Review status: no classification provided. Collection method: in vitro. Allele origin: not applicable. Functional consequence: retained intron. Not counted in ClinVar's aggregate classification.

Dr. Peter K. Rogan Lab, Western University
No classification provided (evidence only). Condition: Nonpapillary renal cell carcinoma. Review status: no classification provided. Collection method: in vitro. Allele origin: not applicable. Functional consequence: retained intron. Not counted in ClinVar's aggregate classification.

Dr. Peter K. Rogan Lab, Western University
No classification provided (evidence only). Condition: Nonpapillary renal cell carcinoma. Review status: no classification provided. Collection method: in vitro. Allele origin: not applicable. Functional consequence: retained intron. Not counted in ClinVar's aggregate classification.

Dr. Peter K. Rogan Lab, Western University
No classification provided (evidence only). Condition: Nonpapillary renal cell carcinoma. Review status: no classification provided. Collection method: in vitro. Allele origin: not applicable. Functional consequence: retained intron. Not counted in ClinVar's aggregate classification.

Dr. Peter K. Rogan Lab, Western University
No classification provided (evidence only). Condition: Nonpapillary renal cell carcinoma. Review status: no classification provided. Collection method: in vitro. Allele origin: not applicable. Functional consequence: retained intron. Not counted in ClinVar's aggregate classification.

Dr. Peter K. Rogan Lab, Western University
No classification provided (evidence only). Condition: Nonpapillary renal cell carcinoma. Review status: no classification provided. Collection method: in vitro. Allele origin: not applicable. Functional consequence: retained intron. Not counted in ClinVar's aggregate classification.

Dr. Peter K. Rogan Lab, Western University
No classification provided (evidence only). Condition: Nonpapillary renal cell carcinoma. Review status: no classification provided. Collection method: in vitro. Allele origin: not applicable. Functional consequence: retained intron. Not counted in ClinVar's aggregate classification.

Dr. Peter K. Rogan Lab, Western University
No classification provided (evidence only). Condition: Nonpapillary renal cell carcinoma. Review status: no classification provided. Collection method: in vitro. Allele origin: not applicable. Functional consequence: retained intron. Not counted in ClinVar's aggregate classification.

Dr. Peter K. Rogan Lab, Western University
No classification provided (evidence only). Condition: Ovarian cancer. Review status: no classification provided. Collection method: in vitro. Allele origin: not applicable. Functional consequence: retained intron. Not counted in ClinVar's aggregate classification.

Dr. Peter K. Rogan Lab, Western University
No classification provided (evidence only). Condition: Ovarian cancer. Review status: no classification provided. Collection method: in vitro. Allele origin: not applicable. Functional consequence: retained intron. Not counted in ClinVar's aggregate classification.

Dr. Peter K. Rogan Lab, Western University
No classification provided (evidence only). Condition: Ovarian cancer. Review status: no classification provided. Collection method: in vitro. Allele origin: not applicable. Functional consequence: retained intron. Not counted in ClinVar's aggregate classification.

Dr. Peter K. Rogan Lab, Western University
No classification provided (evidence only). Condition: Ovarian cancer. Review status: no classification provided. Collection method: in vitro. Allele origin: not applicable. Functional consequence: retained intron. Not counted in ClinVar's aggregate classification.

Dr. Peter K. Rogan Lab, Western University
No classification provided (evidence only). Condition: Ovarian cancer. Review status: no classification provided. Collection method: in vitro. Allele origin: not applicable. Functional consequence: retained intron. Not counted in ClinVar's aggregate classification.

Dr. Peter K. Rogan Lab, Western University
No classification provided (evidence only). Condition: Ovarian cancer. Review status: no classification provided. Collection method: in vitro. Allele origin: not applicable. Functional consequence: retained intron. Not counted in ClinVar's aggregate classification.

Dr. Peter K. Rogan Lab, Western University
No classification provided (evidence only). Condition: Ovarian cancer. Review status: no classification provided. Collection method: in vitro. Allele origin: not applicable. Functional consequence: retained intron. Not counted in ClinVar's aggregate classification.

Dr. Peter K. Rogan Lab, Western University
No classification provided (evidence only). Condition: Ovarian cancer. Review status: no classification provided. Collection method: in vitro. Allele origin: not applicable. Functional consequence: retained intron. Not counted in ClinVar's aggregate classification.